The following is an entry in ClinVar:

NM_007294.4(BRCA1):c.2638_2639delinsAC (p.Glu880Thr)

Gene: BRCA1 (BRCA1 DNA repair associated; minus strand). Cytogenetic location: 17q21.31.
Variant type: Indel.
Coding change: c.2638_2639delinsAC on transcript NM_007294.4 (MANE Select); coding-DNA positions 2638 to 2639, GA replaced by AC.
Protein change: p.Glu880Thr; replaces glutamic acid 880 with threonine.
Molecular consequence: missense variant. On other transcripts: intron variant (137).
Genome position (GRCh38, 1-based): chr17:43,092,892-43,092,893, TC replaced by GT on the plus strand (GA replaced by AC on the coding strand, the reverse complement: BRCA1 is on the minus strand). VCF-style: chr17-43092892-TC-GT. GRCh37 (hg19) VCF-style: chr17-41244909-TC-GT.
Other names: p.E880T:GAG>ACG; c.2425_2426delinsAC, p.Glu809Thr (NM_001407571.1, NM_001407853.1, NM_001407894.1 and 9 more transcripts); c.2497_2498delinsAC, p.Glu833Thr (NM_001407850.1, NM_001407852.1, NM_001407851.1 and 29 more transcripts); c.664+1851_664+1852delinsAC (NM_001408440.1, NM_001408428.1, NM_001408427.1 and 12 more transcripts); c.787+1851_787+1852delinsAC (NM_007299.4, NM_001407981.1, NM_001407974.1 and 17 more transcripts); c.788-754_788-753delinsAC (NM_001407968.1, NM_001407969.1); c.643+1851_643+1852delinsAC (NM_001408462.1, NM_001408468.1, NM_001408470.1 and 3 more transcripts); c.577+1851_577+1852delinsAC (NM_001408492.1, NM_001408489.1, NM_001408479.1 and 9 more transcripts); and 42 more; short protein forms E880T, E833T, E768T, E769T, E809T, E812T, E813T, E877T.
Identifiers: ClinVar variation 182107 (VCV000182107.5), dbSNP rs730881460, ClinGen allele CA001730.
Genomic context (GRCh38, chr17:43,092,892, plus strand): 5'-GTGACTTTTGGACTTTGTTTCTTTAAGGACCCAGAGTGGGCAGAGAATGTTGCACATTCC[TC>GT]TTCTGCATTTCCTGGATTTGAAAACGGAGCAAATGACTGGCGCTTTGAAACCTTGAATGT-3'
Protein context (NP_009225.1, residues 870-890): APFSNPGNAE[Glu880Thr]ECATFSAHSG

ClinVar aggregate classification (germline): Conflicting classifications of pathogenicity. Review status: criteria provided, conflicting classifications (1 of 4 stars). 2 submissions from 2 submitters: Uncertain significance (1); Likely benign (1). Last evaluated 2023-03-23.

Conditions:
Hereditary cancer-predisposing syndrome. Also called: Tumor predisposition; Hereditary Cancer Syndrome; Hereditary neoplastic syndrome; Neoplastic Syndromes, Hereditary. Identifiers: Orphanet 140162, MedGen C0027672, MeSH D009386, MONDO:0015356.

Submissions (2):

University of Washington Department of Laboratory Medicine, University of Washington
Classification: Likely benign for Hereditary cancer-predisposing syndrome. Last evaluated: 2023-03-23. Review status: criteria provided, single submitter. Criteria: Dines et al. (Genet Med. 2020). Collection method: curation. Allele origin: germline.
Comment: Missense variant in a coldspot region where missense variants are very unlikely to be pathogenic (PMID:31911673).

BRCA1 coldspot (exon 11 using historical exon numbering). Reclassification based on statistical prior probability

GeneDx
Classification: Uncertain significance. Last evaluated: 2014-05-14. Review status: criteria provided, single submitter. Criteria: GeneDx Variant Classification (06012015). Collection method: clinical testing. Allele origin: germline. Affected: yes.
Comment: This variant is denoted BRCA1 c.2638_2639delGAinsAC at the cDNA level, p.Glu880Thr (E880T) at the protein level. The normal sequence, with the bases that are deleted and inserted in brackets, is AGAA[delGAinsAC]GGAA. This in frame deletion and insertion, also denoted BRCA1 c.2757_2758delGAinsAC using alternate nomenclature, occurs on the same allele (in cis) and results in the missense change of a Glutamic Acid to a Threonine (GAG>ACG). This variant has not, to our knowledge, been published in the literature as pathogenic or benign. Neither BRCA1 c.2638_2639delGAinsAC nor BRCA1 Glu880Thr (by this or an alternate nucleotide change) was observed in approximately 6,500 individuals of European and African American ancestry in the NHLBI Exome Sequencing Project, indicating it is not a common benign variant in these populations. Since Glutamic Acid and Threonine differ in some properties, this is considered a semi-conservative amino acid substitution. BRCA1 Glu880Thr occurs at a position that is variable across species and is located in the DNA binding domain (Narod 2004). In addition, in silico analyses are inconsistent regarding the effect this variant may have on protein structure and function. Based on currently available information, we consider BRCA1 Glu880Thr to be a variant of uncertain significance.